The following is an entry in ClinVar:

ClinVar aggregate classification (germline): Uncertain significance (1 of 4 stars; one submission).

Conditions:
Autosomal dominant nocturnal frontal lobe epilepsy 5. Also called: Epilepsy, nocturnal frontal lobe, 5; CILIARY DYSKINESIA, PRIMARY, 28, WITHOUT SITUS INVERSUS; CILIARY DYSKINESIA, PRIMARY, 28, WITH SITUS INVERSUS; KCNT1-Related Epilepsy. Identifiers: Orphanet 98784, MedGen C3554306, MONDO:0014002, OMIM 615005.
Developmental and epileptic encephalopathy, 14 (DEE14). Also called: Early infantile epileptic encephalopathy 14. Identifiers: Orphanet 293181, MedGen C3554195, MONDO:0013989, OMIM 614959.

gnomAD v4.1: 1 of 1,608,768 alleles (0.000062%); highest among the groups gnomAD compares: Middle Eastern, 0.017%; no homozygotes.

Submission:

Labcorp Genetics (formerly Invitae), Labcorp
Classification: Uncertain significance for Autosomal dominant nocturnal frontal lobe epilepsy 5; Developmental and epileptic encephalopathy, 14. Last evaluated: 2024-03-08. Review status: criteria provided, single submitter. Criteria: Invitae Variant Classification Sherloc (09022015). Collection method: clinical testing. Allele origin: germline.
Comment: This sequence change replaces aspartic acid, which is acidic and polar, with glutamic acid, which is acidic and polar, at codon 5 of the KCNT1 protein (p.Asp5Glu). This variant is not present in population databases (gnomAD no frequency). This variant has not been reported in the literature in individuals affected with KCNT1-related conditions. Advanced modeling of protein sequence and biophysical properties (such as structural, functional, and spatial information, amino acid conservation, physicochemical variation, residue mobility, and thermodynamic stability) performed at Invitae indicates that this missense variant is not expected to disrupt KCNT1 protein function with a negative predictive value of 95%. In summary, the available evidence is currently insufficient to determine the role of this variant in disease. Therefore, it has been classified as a Variant of Uncertain Significance.

NM_020822.3(KCNT1):c.15C>G (p.Asp5Glu)

Gene: KCNT1 (potassium sodium-activated channel subfamily T member 1; plus strand). Cytogenetic location: 9q34.3.
Variant type: single nucleotide variant.
Coding change: c.15C>G on transcript NM_020822.3 (MANE Select); coding-DNA position 15, C replaced by G.
Protein change: p.Asp5Glu; replaces aspartic acid 5 with glutamic acid.
Molecular consequence: missense variant.
Genome position (GRCh38, 1-based): chr9:135,702,273, C>G. VCF-style: chr9-135702273-C-G. GRCh37 (hg19) VCF-style: chr9-138594119-C-G.
Other names: c.15C>G, p.Asp5Glu (NM_001272003.2); short protein forms D5E.
Identifiers: ClinVar variation 2932820 (VCV002932820.3), dbSNP rs771669111, ClinGen allele CA375492512.
Genomic context (GRCh38, chr9:135,702,273, plus strand): 5'-CTCCCACTCGCTTCTCCCTCGGGTCGGGTCCGAGCTGCCAGGCCGCATGCCACTCCCTGA[C>G]GGGGCGCGGACCCCGGGGGGCGTCTGCCGGGAGGCGCGCGGCGGGGGCTACACCAACCGG-3'
Protein context (NP_065873.2, residues 1-15): MPLP[Asp5Glu]GARTPGGVCR